The following is an entry in ClinVar:

NM_212482.4(FN1):c.885A>C (p.Gln295His)

Gene: FN1 (fibronectin 1; minus strand). Cytogenetic location: 2q35.
Variant type: single nucleotide variant.
Coding change: c.885A>C on transcript NM_212482.4 (MANE Select); coding-DNA position 885, A replaced by C.
Protein change: p.Gln295His; replaces glutamine 295 with histidine.
Molecular consequence: missense variant.
Genome position (GRCh38, 1-based): chr2:215,425,245, T>G on the plus strand (A>C on the coding strand, the complement: FN1 is on the minus strand). VCF-style: chr2-215425245-T-G. GRCh37 (hg19) VCF-style: chr2-216289968-T-G.
Other names: c.885A>C, p.Gln295His (NM_001306129.2, NM_001306130.2, NM_001306131.2 and 14 more transcripts); short protein forms Q295H.
Identifiers: ClinVar variation 4999371 (VCV004999371.1).

ClinVar aggregate classification (germline): Uncertain significance (1 of 4 stars; one submission).

Conditions:
FN1-related disorder. Also called: FN1-related condition.

Submission:

PreventionGenetics, part of Exact Sciences
Classification: Uncertain significance for FN1-related condition. Last evaluated: 2024-11-30. Review status: criteria provided, single submitter. Criteria: ACMG Guidelines, 2015. Collection method: clinical testing. Allele origin: germline.
Comment: The FN1 c.885A>C variant is predicted to result in the amino acid substitution p.Gln295His. To our knowledge, this variant has not been reported in the literature or in a large population database (gnomAD), indicating this variant is rare. At this time, the clinical significance of this variant is uncertain due to the absence of conclusive functional and genetic evidence.